The following is an entry in ClinVar:

ClinVar aggregate classification (germline): Uncertain significance. Review status: criteria provided, multiple submitters, no conflicts (2 of 4 stars). 2 submissions from 2 submitters: Uncertain significance (2). Last evaluated 2024-04-30.

Conditions:
Polycystic kidney disease 3 with or without polycystic liver disease. Also called: Polycystic kidney disease 3; Polycystic Kidney and/or Polycystic Liver Disease 3; POLYCYSTIC KIDNEY DISEASE, ADULT, TYPE III. Identifiers: MedGen C3887964, MONDO:0010916, OMIM 600666.

Allele frequency attached by ClinVar (database versions not stated): gnomAD exomes 0.00001; ExAC 0.00002; TOPMed 0.00002; gnomAD 0.00003.
gnomAD v4.1: 16 of 1,583,314 alleles (0.001%); highest among the groups gnomAD compares: East Asian, 0.022%; no homozygotes.

Submissions (2):

Fulgent Genetics
Classification: Uncertain significance for Polycystic kidney disease 3 with or without polycystic liver disease. Last evaluated: 2024-04-30. Review status: criteria provided, single submitter. Criteria: ACMG Guidelines, 2015. Collection method: clinical testing. Allele origin: germline.

Labcorp Genetics (formerly Invitae), Labcorp
Classification: Uncertain significance. Last evaluated: 2023-07-03. Review status: criteria provided, single submitter. Criteria: Invitae Variant Classification Sherloc (09022015). Collection method: clinical testing. Allele origin: germline.
Comment: This sequence change replaces asparagine, which is neutral and polar, with serine, which is neutral and polar, at codon 763 of the GANAB protein (p.Asn763Ser). This variant is present in population databases (rs774283742, gnomAD 0.02%). This variant has not been reported in the literature in individuals affected with GANAB-related conditions. Advanced modeling of protein sequence and biophysical properties (such as structural, functional, and spatial information, amino acid conservation, physicochemical variation, residue mobility, and thermodynamic stability) performed at Invitae indicates that this missense variant is not expected to disrupt GANAB protein function. In summary, the available evidence is currently insufficient to determine the role of this variant in disease. Therefore, it has been classified as a Variant of Uncertain Significance.

NM_198334.3(GANAB):c.2222A>G (p.Asn741Ser)

Gene: GANAB (glucosidase II alpha subunit; minus strand). Cytogenetic location: 11q12.3.
Variant type: single nucleotide variant.
Coding change: c.2222A>G on transcript NM_198334.3 (MANE Select); coding-DNA position 2222, A replaced by G.
Protein change: p.Asn741Ser; replaces asparagine 741 with serine.
Molecular consequence: missense variant.
Genome position (GRCh38, 1-based): chr11:62,627,312, T>C on the plus strand (A>G on the coding strand, the complement: GANAB is on the minus strand). VCF-style: chr11-62627312-T-C. GRCh37 (hg19) VCF-style: chr11-62394784-T-C.
Other names: c.1946A>G, p.Asn649Ser (NM_001278192.2); c.1880A>G, p.Asn627Ser (NM_001278193.2); c.1931A>G, p.Asn644Ser (NM_001278194.2, NM_001329222.2, NM_001329223.2); c.1499A>G, p.Asn500Ser (NM_001329224.2, NM_001329225.2); c.2288A>G, p.Asn763Ser (NM_198335.4); short protein forms N500S, N627S, N649S, N644S, N741S, N763S.
Identifiers: ClinVar variation 2900525 (VCV002900525.4), dbSNP rs774283742, ClinGen allele CA6050548.